The following is an entry in ClinVar:

NM_002769.5(PRSS1):c.326T>G (p.Met109Arg)

Genes: TRB (T cell receptor beta locus; plus strand), PRSS1 (serine protease 1; plus strand). Cytogenetic location: 7q34.
Variant type: single nucleotide variant.
Coding change: c.326T>G on transcript NM_002769.5 (MANE Select); coding-DNA position 326, T replaced by G.
Protein change: p.Met109Arg; replaces methionine 109 with arginine.
Molecular consequence: missense variant. On other transcripts: non-coding transcript variant (4).
Genome position (GRCh38, 1-based): chr7:142,751,899, T>G. VCF-style: chr7-142751899-T-G. GRCh37 (hg19) VCF-style: chr7-142459750-T-G.
Other names: short protein forms M109R.
Identifiers: ClinVar variation 2621817 (VCV002621817.3), dbSNP rs1482612529, ClinGen allele CA369608810.

ClinVar aggregate classification (germline): Uncertain significance (1 of 4 stars; one submission).

Conditions:
Hereditary pancreatitis (PCTT). Also called: PRSS1-Related Hereditary Pancreatitis; Hereditary chronic pancreatitis. Identifiers: Orphanet 676, MedGen C0238339, MONDO:0008185, OMIM 167800.

Allele frequency attached by ClinVar (database versions not stated): TOPMed below 0.00001.

Submission:

Ambry Genetics
Classification: Uncertain significance for Hereditary pancreatitis. Last evaluated: 2025-11-03. Review status: criteria provided, single submitter. Criteria: Ambry Variant Classification Scheme 2023. Collection method: clinical testing. Allele origin: germline.
Comment: The p.M109R variant (also known as c.326T>G), located in coding exon 3 of the PRSS1 gene, results from a T to G substitution at nucleotide position 326. The methionine at codon 109 is replaced by arginine, an amino acid with similar properties. This amino acid position is conserved. In addition, this alteration is predicted to be deleterious by in silico analysis. Since supporting evidence is limited at this time, the clinical significance of this alteration remains unclear.